The following is an entry in ClinVar:

NM_153026.3(PRICKLE1):c.949dup (p.Ser317fs)

Genes: PRICKLE1 (prickle planar cell polarity protein 1; minus strand), LOC126861509 (BRD4-independent group 4 enhancer GRCh37_chr12:42858567-42859766; plus strand). Cytogenetic location: 12q12.
Variant type: Duplication.
Coding change: c.949dup on transcript NM_153026.3 (MANE Select); coding-DNA position 949, one base duplicated (T; older notation c.949dupT).
Protein change: p.Ser317fs; shifts the reading frame from serine 317.
Molecular consequence: frameshift variant.
Genome position (GRCh38, 1-based): chr12:42,465,085, A duplicated on the plus strand (T on the coding strand, the reverse complement: PRICKLE1 is on the minus strand); the first of 2 consecutive A bases (chr12:42,465,085-42,465,086); duplicating either gives the same sequence. VCF-style (leftmost placement, unchanged base first): chr12-42465084-G-GA. GRCh37 (hg19) VCF-style: chr12-42858886-G-GA.
Other names: c.949dup, p.Ser317fs (NM_001144881.2, NM_001144882.2, NM_001144883.2); short protein forms S317fs.
Identifiers: ClinVar variation 1006994 (VCV001006994.5), dbSNP rs1938040051, ClinGen allele CA2031938158.

ClinVar aggregate classification (germline): Uncertain significance (1 of 4 stars; one submission).

Conditions:
Epilepsy, progressive myoclonic, 1B. Also called: PME. Identifiers: Orphanet 308, MedGen C2676254, MONDO:0012904, OMIM 612437.

Submission:

Labcorp Genetics (formerly Invitae), Labcorp
Classification: Uncertain significance for Epilepsy, progressive myoclonic, 1B. Last evaluated: 2022-08-15. Review status: criteria provided, single submitter. Criteria: Invitae Variant Classification Sherloc (09022015). Collection method: clinical testing. Allele origin: germline.
Comment: In summary, the available evidence is currently insufficient to determine the role of this variant in disease. Therefore, it has been classified as a Variant of Uncertain Significance. ClinVar contains an entry for this variant (Variation ID: 1006994). This variant has not been reported in the literature in individuals affected with PRICKLE1-related conditions. This variant is not present in population databases (gnomAD no frequency). This sequence change creates a premature translational stop signal (p.Ser317Phefs*31) in the PRICKLE1 gene. It is expected to result in an absent or disrupted protein product. However, the current clinical and genetic evidence is not sufficient to establish whether loss-of-function variants in PRICKLE1 cause disease.